The following is an entry in ClinVar:

NM_177438.3(DICER1):c.1251TGA[5] (p.Asp419_Glu420insAspAsp)

Gene: DICER1 (dicer 1, ribonuclease III; minus strand). Cytogenetic location: 14q32.13.
Variant type: Microsatellite.
Coding change: c.1251TGA[5] on transcript NM_177438.3 (MANE Select); five copies in a row of the 3-base unit TGA starting at c.1251; the reference has three copies in a row; two copies, 6 bases duplicated.
Protein change: p.Asp419_Glu420insAspAsp.
Molecular consequence: inframe insertion. On other transcripts: inframe indel (1), 5 prime UTR variant (1), non-coding transcript variant (6).
Genome position (GRCh38, 1-based): chr14:95,124,313-95,124,318, TCATCA duplicated on the plus strand (TGATGA on the coding strand, the reverse complement: DICER1 is on the minus strand); duplicating any 6 consecutive bases within chr14:95,124,313-95,124,323 gives the same sequence; the position shown is the placement nearest the transcript's 3' end. VCF-style (leftmost placement, unchanged base first): chr14-95124312-C-CTCATCA. GRCh37 (hg19) VCF-style: chr14-95590649-C-CTCATCA.
Other names: c.1251TGA[5], p.Asp419_Glu420insAspAsp (NM_001195573.1, NM_001271282.3, NM_001291628.2 and 14 more transcripts); c.1249_1251GAT[5], p.Asp419_Glu420insAspAsp (NM_001395681.1); c.969TGA[5], p.Asp325_Glu326insAspAsp (NM_001395686.1); c.846TGA[5], p.Asp284_Glu285insAspAsp (NM_001395687.1, NM_001395688.1, NM_001395689.1 and 3 more transcripts); c.684TGA[5], p.Asp230_Glu231insAspAsp (NM_001395691.1); c.-318TGA[5] (NM_001395697.1).
Identifiers: ClinVar variation 2811288 (VCV002811288.3), dbSNP rs2140202490, ClinGen allele CA2626315163.

ClinVar aggregate classification (germline): Uncertain significance (1 of 4 stars; one submission).

Conditions:
DICER1-related tumor predisposition. Also called: DICER1 syndrome; DICER1-related pleuropulmonary blastoma cancer predisposition syndrome. Identifiers: Orphanet 284343, MedGen C3839822, MONDO:0100216.

Submission:

Labcorp Genetics (formerly Invitae), Labcorp
Classification: Uncertain significance for DICER1-related tumor predisposition. Last evaluated: 2022-11-01. Review status: criteria provided, single submitter. Criteria: Invitae Variant Classification Sherloc (09022015). Collection method: clinical testing. Allele origin: germline.
Comment: In summary, the available evidence is currently insufficient to determine the role of this variant in disease. Therefore, it has been classified as a Variant of Uncertain Significance. This variant has not been reported in the literature in individuals affected with DICER1-related conditions. This variant is not present in population databases (gnomAD no frequency). This variant, c.1254_1259dup, results in the insertion of 2 amino acid(s) of the DICER1 protein (p.Asp418_Asp419dup), but otherwise preserves the integrity of the reading frame.